The following is an entry in ClinVar:

ClinVar aggregate classification (germline): Uncertain significance. Review status: criteria provided, multiple submitters, no conflicts (2 of 4 stars). 2 submissions from 2 submitters: Uncertain significance (2). Last evaluated 2021-06-19.

Conditions:
Myofibrillar myopathy 6. Identifiers: Orphanet 199340, MedGen C2751831, MONDO:0013061, OMIM 612954.
Dilated cardiomyopathy 1HH (CMD1HH). Identifiers: Orphanet 154, MedGen C3151293, MONDO:0013479, OMIM 613881.

Allele frequency attached by ClinVar (database versions not stated): gnomAD exomes below 0.00001; gnomAD 0.00001; TOPMed 0.00001.
gnomAD v4.1: 4 of 1,613,996 alleles (0.00025%); highest among the groups gnomAD compares: Non-Finnish European, 0.00034%; no homozygotes.

Submissions (2):

Labcorp Genetics (formerly Invitae), Labcorp
Classification: Uncertain significance for Dilated cardiomyopathy 1HH; Myofibrillar myopathy 6. Last evaluated: 2021-06-19. Review status: criteria provided, single submitter. Criteria: Invitae Variant Classification Sherloc (09022015). Collection method: clinical testing. Allele origin: germline.
Comment: In summary, the available evidence is currently insufficient to determine the role of this variant in disease. Therefore, it has been classified as a Variant of Uncertain Significance. Algorithms developed to predict the effect of missense changes on protein structure and function output the following: SIFT: "Tolerated"; PolyPhen-2: "Not Available"; Align-GVGD: "Class C0". The proline amino acid residue is found in multiple mammalian species, suggesting that this missense change does not adversely affect protein function. These predictions have not been confirmed by published functional studies and their clinical significance is uncertain. This variant has not been reported in the literature in individuals with BAG3-related conditions. ClinVar contains an entry for this variant (Variation ID: 390435). This variant is not present in population databases (ExAC no frequency). This sequence change replaces threonine with proline at codon 547 of the BAG3 protein (p.Thr547Pro). The threonine residue is moderately conserved and there is a small physicochemical difference between threonine and proline.

GeneDx
Classification: Uncertain significance. Last evaluated: 2017-09-11. Review status: criteria provided, single submitter. Criteria: GeneDx Variant Classification (06012015). Collection method: clinical testing. Allele origin: germline. Affected: yes.
Comment: A novel variant of uncertain significance has been identified in the BAG3 gene. The T547P variant has not been published as a pathogenic variant, nor has it been reported as a benign variant to our knowledge. This variant was not observed in approximately 6,500 individuals of European and African American ancestry in the NHLBI Exome Sequencing Project, indicating it is not a common benign variant in these populations. The T547P variant is a non-conservative amino acid substitution, which is likely to impact secondary protein structure as these residues differ in polarity, charge, size and/or other properties. However, this substitution occurs at a position that is not conserved across species. Furthermore, 2/3 in silico algorithms predict this variant likely does not alter the protein structure/function.Therefore, based on the currently available information, it is unclear whether this variant is pathogenic or benign.

NM_004281.4(BAG3):c.1639A>C (p.Thr547Pro)

Gene: BAG3 (BAG cochaperone 3; plus strand). Cytogenetic location: 10q26.11.
Variant type: single nucleotide variant.
Coding change: c.1639A>C on transcript NM_004281.4 (MANE Select); coding-DNA position 1639, A replaced by C.
Protein change: p.Thr547Pro; replaces threonine 547 with proline.
Molecular consequence: missense variant.
Genome position (GRCh38, 1-based): chr10:119,677,193, A>C. VCF-style: chr10-119677193-A-C. GRCh37 (hg19) VCF-style: chr10-121436705-A-C.
Other names: short protein forms T547P.
Identifiers: ClinVar variation 390435 (VCV000390435.9), dbSNP rs1057523768, ClinGen allele CA16605992.